The following is an entry in ClinVar:

NM_001099922.3(ALG13):c.977A>G (p.Tyr326Cys)

Gene: ALG13 (ALG13 UDP-N-acetylglucosaminyltransferase subunit; plus strand). Cytogenetic location: Xq23.
Variant type: single nucleotide variant.
Coding change: c.977A>G on transcript NM_001099922.3 (MANE Select); coding-DNA position 977, A replaced by G.
Protein change: p.Tyr326Cys; replaces tyrosine 326 with cysteine.
Molecular consequence: missense variant. On other transcripts: non-coding transcript variant (1).
Genome position (GRCh38, 1-based): chrX:111,713,269, A>G. VCF-style: chrX-111713269-A-G. GRCh37 (hg19) VCF-style: chrX-110956497-A-G.
Other names: c.977A>G, p.Tyr326Cys (NM_001324292.2); c.665A>G, p.Tyr222Cys (NM_001324293.1, NM_001257230.2, NM_001257234.2 and 1 more transcripts); c.743A>G, p.Tyr248Cys (NM_001257231.2); c.977A>G (NM_001099922.2); short protein forms Y222C, Y248C, Y326C.
Identifiers: ClinVar variation 1020146 (VCV001020146.10), dbSNP rs1940090808, ClinGen allele CA414250553.

ClinVar aggregate classification (germline): Uncertain significance. Review status: criteria provided, multiple submitters, no conflicts (2 of 4 stars). 2 submissions from 2 submitters: Uncertain significance (2). Last evaluated 2025-03-03.

Conditions:
Developmental and epileptic encephalopathy, 36 (DEE36). Also called: Epileptic encephalopathy, early infantile, 36; Congenital disorder of glycosylation, type Is; ALG13-CDG. Identifiers: Orphanet 324422, MedGen C4317295, MONDO:0010472, OMIM 300884.

Submissions (2):

GeneDx
Classification: Uncertain significance. Last evaluated: 2025-03-03. Review status: criteria provided, single submitter. Criteria: GeneDx Variant Classification Process June 2021. Collection method: clinical testing. Allele origin: germline. Affected: yes.
Comment: Not observed at significant frequency in large population cohorts (gnomAD); In silico analysis supports that this missense variant has a deleterious effect on protein structure/function; Has not been previously published as pathogenic or benign to our knowledge

Labcorp Genetics (formerly Invitae), Labcorp
Classification: Uncertain significance for Developmental and epileptic encephalopathy, 36. Last evaluated: 2020-07-14. Review status: criteria provided, single submitter. Criteria: Invitae Variant Classification Sherloc (09022015). Collection method: clinical testing. Allele origin: germline.
Comment: This variant has not been reported in the literature in individuals with ALG13-related conditions. This sequence change replaces tyrosine with cysteine at codon 326 of the ALG13 protein (p.Tyr326Cys). The tyrosine residue is moderately conserved and there is a large physicochemical difference between tyrosine and cysteine. This variant is not present in population databases (ExAC no frequency). Algorithms developed to predict the effect of missense changes on protein structure and function output the following: SIFT: "Tolerated"; PolyPhen-2: "Benign"; Align-GVGD: "Class C0". The cysteine amino acid residue is found in multiple mammalian species, suggesting that this missense change does not adversely affect protein function. These predictions have not been confirmed by published functional studies and their clinical significance is uncertain. In summary, the available evidence is currently insufficient to determine the role of this variant in disease. Therefore, it has been classified as a Variant of Uncertain Significance.